The following continues an entry in ClinVar:

NM_000059.4(BRCA2):c.5851_5854del (p.Ser1951fs)

Gene: BRCA2. ClinVar aggregate classification (germline): Pathogenic. Pathogenic (1).

Submissions 11 to 26 of 26:

Women's Health and Genetics/Laboratory Corporation of America, LabCorp
Classification: Pathogenic for Hereditary breast ovarian cancer syndrome. Last evaluated: 2022-10-28. Review status: criteria provided, single submitter. Criteria: LabCorp Variant Classification Summary - May 2015. Collection method: clinical testing. Allele origin: germline. Not counted in ClinVar's aggregate classification.
Comment: Variant summary: BRCA2 c.5851_5854delAGTT (p.Ser1951TrpfsX11) results in a premature termination codon, predicted to cause a truncation of the encoded protein or absence of the protein due to nonsense mediated decay, which are commonly known mechanisms for disease. Truncations downstream of this position have been classified as pathogenic by our laboratory. The variant was absent in 251070 control chromosomes. c.5851_5854delAGTT has been reported in the literature in multiple individuals affected with Hereditary Breast And Ovarian Cancer Syndrome (examples: Kwong_2012, Juwle_2012, Diez_2003, etc). These data indicate that the variant is very likely to be associated with disease. To our knowledge, no experimental evidence demonstrating an impact on protein function has been reported. 12 clinical diagnostic laboratories have submitted clinical-significance assessments for this variant to ClinVar after 2014 without evidence for independent evaluation. All laboratories classified the variant as pathogenic. Based on the evidence outlined above, the variant was classified as pathogenic.

Baylor Genetics
Classification: Pathogenic for Familial cancer of breast. Last evaluated: 2022-08-05. Review status: criteria provided, single submitter. Criteria: ACMG Guidelines, 2015. Collection method: clinical testing. Allele origin: unknown. Not counted in ClinVar's aggregate classification.

Sema4
Classification: Pathogenic for Hereditary cancer-predisposing syndrome. Last evaluated: 2021-12-17. Review status: criteria provided, single submitter. Criteria: Sema4 Curation Guidelines. Collection method: curation. Allele origin: germline. Not counted in ClinVar's aggregate classification.
Comment: The BRCA2 c.5851_5854delAGTT (p.S1951WfsX11) variant has been reported in several individuals with breast cancer and/or ovarian cancer (PMID 26681312, 22752604, 29335924, 31825140, 32854451, 29084914). This variant is also known as 6079delAGTT in the literature. This variant causes a frameshift at amino acid 1951 that results in premature termination 11 amino acids downstream. At this location, this is predicted to cause nonsense-mediated decay and result in an absent protein (loss of function). Loss of function variants in BRCA2 are known to be pathogenic (PMID: 29446198). This variant was not observed in the large and broad cohorts of the Genome Aggregation Database (PMID: (PMID: 32461654). This variant has been reported in ClinVar (Variation ID 38001). Based on the current evidence available, this variant is interpreted as pathogenic.

Pars Genome Lab
Classification: Pathogenic for Breast-ovarian cancer, familial, susceptibility to, 2. Last evaluated: 2021-08-09. Review status: criteria provided, single submitter. Criteria: ACMG Guidelines, 2015. Collection method: clinical testing. Allele origin: germline. Inheritance: Autosomal dominant inheritance. Affected: yes. Not counted in ClinVar's aggregate classification.

Department of Molecular Diagnostics, Institute of Oncology Ljubljana
Classification: Pathogenic for Breast-ovarian cancer, familial, susceptibility to, 1. Last evaluated: 2020-04-02. Review status: criteria provided, single submitter. Criteria: ACMG Guidelines, 2015. Collection method: clinical testing. Allele origin: germline. Affected: yes. Not counted in ClinVar's aggregate classification.

ARUP Laboratories, Molecular Genetics and Genomics, ARUP Laboratories
Classification: Pathogenic. Last evaluated: 2017-05-17. Review status: criteria provided, single submitter. Criteria: ARUP Molecular Germline Variant Investigation Process. Collection method: clinical testing. Allele origin: germline. Not counted in ClinVar's aggregate classification.
Comment: The BRCA2 c.5851_5854delAGTT; p.Ser1951fs variant (also known as 6079delAGTT) has been reported in several individuals with hereditary breast and ovarian cancer syndrome (Dodova 2015, Juwle 2012, Kwong 2012, Papi 2009, Vaidyanathan 2009). This variant is reported in ClinVar (Variation ID: 38001), and is absent from the general population databases (1000 Genomes Project, Exome Variant Server, Genome Aggregation Database). This variant creates a frameshift and is predicted to result in a truncated protein or absent transcript, and is considered pathogenic. REFERENCES Link to ClinVar database for c.5851_5854delAGTT: Dodova RI et al. Spectrum and frequencies of BRCA1/2 mutations in Bulgarian high risk breast cancer patients. BMC Cancer. 2015 Jul 17;15:523. Juwle A et al. BRCA1/BRCA2 gene mutations/SNPs and BRCA1 haplotypes in early-onset breast cancer patients of Indian ethnicity. Med Oncol. 2012 Dec;29(5):3272-81. Kwong A et al. Identification of BRCA1/2 founder mutations in Southern Chinese breast cancer patients using gene sequencing and high resolution DNA melting analysis. PLoS One. 2012;7(9):e43994. Papi L et al. Founder mutations account for the majority of BRCA1-attributable hereditary breast/ovarian cancer cases in a population from Tuscany, Central Italy. Breast Cancer Res Treat. 2009 Oct;117(3):497-504. Vaidyanathan K et al. BRCA1 and BRCA2 germline mutation analysis among Indian women from south India: identification of four novel mutations and high-frequency occurrence of 185delAG mutation. J Biosci. 2009 Sep;34(3):415-22.

Clinical Genetics and Genomics, Karolinska University Hospital
Classification: Pathogenic. Last evaluated: 2016-09-30. Review status: criteria provided, single submitter. Criteria: ACMG Guidelines, 2015. Collection method: clinical testing. Allele origin: germline. Affected: yes. Observed: 2 variant alleles. Not counted in ClinVar's aggregate classification.

Consortium of Investigators of Modifiers of BRCA1/2 (CIMBA), c/o University of Cambridge
Classification: Pathogenic for Breast-ovarian cancer, familial, susceptibility to, 2. Last evaluated: 2015-10-02. Review status: criteria provided, single submitter. Criteria: CIMBA Mutation Classification guidelines May 2016. Collection method: clinical testing. Allele origin: germline. Not counted in ClinVar's aggregate classification.

PreventionGenetics, part of Exact Sciences
Classification: Pathogenic for BRCA2-related condition. Last evaluated: 2024-09-09. Review status: no assertion criteria provided. Collection method: clinical testing. Allele origin: germline. Not counted in ClinVar's aggregate classification.
Comment: The BRCA2 c.5851_5854delAGTT variant is predicted to result in a frameshift and premature protein termination (p.Ser1951Trpfs*11). This variant has been reported in multiple individuals with breast and/or ovarian cancer across various ethnicities (see for example, Bahsi and Erdem. 2020. Turk J Biochem. 45(1): 83–90; Table S1, Susswein et al. 2016. PubMed ID: 26681312; Table S2, Liu et al. 2021. PubMed ID: 33461583) and in a patient with lung adenocarcinoma (Table S1, Reckamp et al. 2021. PubMed ID: 33858029). This variant has also been reported in four individuals from a hereditary breast and ovarian cancer (HBOC) family (Supplementary file 1, Majidzadeh-A et al. 2022. PubMed ID: 33754277). This variant is interpreted as pathogenic by the hereditary breast, ovarian and pancreatic cancer variant curation expert panel in ClinVar. An alternate nucleotide change affecting the same amino acid (c.5850_5853delTAGT:p.Ser1951TrpfsTer11) has been reported in individuals affected with HBOC and classified to be pathogenic (BRCA2 supplementary table, Gao et al. 2020. PubMed ID: 31825140). Frameshift variants in BRCA2 are expected to be pathogenic (Borg et al. 2010. PubMed ID: 20104584). The c.5851_5854delAGTT variant has not been reported in a large population database, indicating this variant is rare. This variant is interpreted as pathogenic.

Laboratory for Genotyping Development, RIKEN
Classification: Pathogenic for Gastric cancer. Last evaluated: 2021-07-01. Review status: no assertion criteria provided. Collection method: research. Allele origin: germline. Not counted in ClinVar's aggregate classification.

BRCAlab, Lund University
Classification: Pathogenic for Breast-ovarian cancer, familial, susceptibility to, 2. Last evaluated: 2020-03-02. Review status: no assertion criteria provided. Collection method: clinical testing. Allele origin: germline. Affected: yes. Not counted in ClinVar's aggregate classification.

Counsyl
Classification: Likely pathogenic for Breast-ovarian cancer, familial 2. Last evaluated: 2014-09-04. Review status: no assertion criteria provided. Collection method: literature only. Allele origin: unknown. Inheritance: Autosomal dominant inheritance. Not counted in ClinVar's aggregate classification.

Research Molecular Genetics Laboratory, Women's College Hospital, University of Toronto
Classification: Pathogenic for Hereditary breast ovarian cancer syndrome. Last evaluated: 2014-01-31. Review status: no assertion criteria provided. Collection method: research. Allele origin: germline. Affected: yes. Study: The Canadian Open Genetics Repository (COGR). Not counted in ClinVar's aggregate classification.

Sharing Clinical Reports Project (SCRP)
Classification: Pathogenic for Breast-ovarian cancer, familial 2. Last evaluated: 2012-05-01. Review status: no assertion criteria provided. Collection method: clinical testing. Allele origin: germline. Not counted in ClinVar's aggregate classification.

Breast Cancer Information Core (BIC) (BRCA2)
Classification: Pathogenic for Breast-ovarian cancer, familial 2. Last evaluated: 2002-05-29. Review status: no assertion criteria provided. Collection method: clinical testing. Allele origin: germline. Affected: yes. Observed: 11 variant alleles. Not counted in ClinVar's aggregate classification.

Department of Pathology and Laboratory Medicine, Sinai Health System
Classification: Pathogenic for Breast-ovarian cancer, familial, susceptibility to, 2. Review status: no assertion criteria provided. Collection method: clinical testing. Allele origin: unknown. Affected: yes. Study: The Canadian Open Genetics Repository (COGR). Not counted in ClinVar's aggregate classification.
Comment: The BRCA2 p.Ser1951TrpfsX11 variant was identified in 9 of 3458 proband chromosomes (frequency: 0.008) from individuals with breast cancer or hereditary breast and ovarian cancer families (Diez 2003 12955716, Juwle 2012, Kurian 2008, Lubinski 2004, Papi 2009, Vaidyanathan 2009). The variant was not detected in 500 control chromosomes from healthy individuals from these studies. The variant was also identified in dbSNP (ID: rs80359543), LOVD, UMD (6X as a causal variant), and the BIC database (11X with clinical importance). The p.Ser1951TrpfsX11 deletion variant is predicted to cause a frameshift, which alters the protein's amino acid sequence beginning at codon 1951and leads to a premature stop codon 11 codons downstream. This alteration is then predicted to result in a truncated or absent protein and loss of function. Loss of function variants of the BRCA2 gene are an established mechanism of disease in hereditary breast and ovarian cancer and is the type of variant expected to cause the disorder. In summary, based on the above information, this variant meets our laboratoryâ€šÃ„Ã´s criteria to be classified as pathogenic.

Literature cited by the submitters: PubMed 20104584 (cited by Labcorp Genetics (formerly Invitae), Labcorp and GeneKor MSA); PubMed 18821011 (cited by 6 submitters); PubMed 19805903 (cited by 5 submitters); PubMed 22752604 (cited by 7 submitters); PubMed 22970155 (cited by 5 submitters); PubMed 26183948 (cited by 5 submitters); PubMed 27882536 (cited by 4 submitters); PubMed 29335924 (cited by 5 submitters); PubMed 29487695 (cited by 4 submitters); PubMed 30702160 (cited by Quest Diagnostics Nichols Institute San Juan Capistrano); PubMed 32854451 (cited by 4 submitters); PubMed 29084914 (cited by Quest Diagnostics Nichols Institute San Juan Capistrano and Sema4); PubMed 29470806 (cited by Quest Diagnostics Nichols Institute San Juan Capistrano and Color Diagnostics, LLC DBA Color Health); PubMed 26681312 (cited by 3 submitters); PubMed 15131399 (cited by 3 submitters); PubMed 33471991 (cited by Quest Diagnostics Nichols Institute San Juan Capistrano and Color Diagnostics, LLC DBA Color Health); PubMed 38496821 (cited by Quest Diagnostics Nichols Institute San Juan Capistrano); PubMed 19353265 (cited by Ambry Genetics and Counsyl); PubMed 34680387 (cited by Ambry Genetics and Color Diagnostics, LLC DBA Color Health); PubMed 12955716 (cited by Color Diagnostics, LLC DBA Color Health and Women's Health and Genetics/Laboratory Corporation of America, LabCorp); PubMed 25186627 (cited by Color Diagnostics, LLC DBA Color Health); PubMed 27153395 (cited by Color Diagnostics, LLC DBA Color Health); PubMed 30430080 (cited by Color Diagnostics, LLC DBA Color Health); PubMed 32438681 (cited by Color Diagnostics, LLC DBA Color Health); PubMed 34101484 (cited by Color Diagnostics, LLC DBA Color Health); PubMed 31825140 (cited by Sema4); PubMed 29446198 (cited by Sema4); PubMed 36988593 (cited by Laboratory for Genotyping Development, RIKEN); PubMed 10660329 (cited by Counsyl).